The following is an entry in ClinVar:

NM_006231.4(POLE):c.2761T>C (p.Tyr921His)

Gene: POLE (DNA polymerase epsilon, catalytic subunit; minus strand). Cytogenetic location: 12q24.33.
Variant type: single nucleotide variant.
Coding change: c.2761T>C on transcript NM_006231.4 (MANE Select); coding-DNA position 2761, T replaced by C.
Protein change: p.Tyr921His; replaces tyrosine 921 with histidine.
Molecular consequence: missense variant.
Genome position (GRCh38, 1-based): chr12:132,661,630, A>G on the plus strand (T>C on the coding strand, the complement: POLE is on the minus strand). VCF-style: chr12-132661630-A-G. GRCh37 (hg19) VCF-style: chr12-133238216-A-G.
Other names: short protein forms Y921H.
Identifiers: ClinVar variation 1474715 (VCV001474715.8), dbSNP rs2135949115, ClinGen allele CA387393892.

ClinVar aggregate classification (germline): Uncertain significance (1 of 4 stars; one submission).

gnomAD v4.1: 1 of 1,614,192 alleles (0.000062%); no homozygotes.

Submission:

Labcorp Genetics (formerly Invitae), Labcorp
Classification: Uncertain significance. Last evaluated: 2023-11-15. Review status: criteria provided, single submitter. Criteria: Invitae Variant Classification Sherloc (09022015). Collection method: clinical testing. Allele origin: germline.
Comment: This sequence change replaces tyrosine, which is neutral and polar, with histidine, which is basic and polar, at codon 921 of the POLE protein (p.Tyr921His). This variant is not present in population databases (gnomAD no frequency). This variant has not been reported in the literature in individuals affected with POLE-related conditions. ClinVar contains an entry for this variant (Variation ID: 1474715). Advanced modeling of protein sequence and biophysical properties (such as structural, functional, and spatial information, amino acid conservation, physicochemical variation, residue mobility, and thermodynamic stability) performed at Invitae indicates that this missense variant is expected to disrupt POLE protein function with a positive predictive value of 80%. In summary, the available evidence is currently insufficient to determine the role of this variant in disease. Therefore, it has been classified as a Variant of Uncertain Significance.